The following is an entry in ClinVar:

ClinVar aggregate classification (germline): Pathogenic/Likely pathogenic. Review status: criteria provided, multiple submitters, no conflicts (2 of 4 stars). 6 submissions from 6 submitters: Pathogenic (3); Likely pathogenic (1). 2 of the submissions do not count toward it. Last evaluated 2024-04-17.

Conditions:
Hereditary cancer-predisposing syndrome. Also called: Tumor predisposition; Neoplastic Syndromes, Hereditary; Hereditary Cancer Syndrome; Hereditary neoplastic syndrome. Identifiers: Orphanet 140162, MedGen C0027672, MeSH D009386, MONDO:0015356.
Ataxia-telangiectasia syndrome (AT). Also called: Ataxia-telangiectasia; LOUIS-BAR SYNDROME; Ataxia-telangiectasia, complementation group D; AT, COMPLEMENTATION GROUP C; ATAXIA-TELANGIECTASIA, COMPLEMENTATION GROUP A; ATAXIA-TELANGIECTASIA, FRESNO VARIANT. Identifiers: Orphanet 100, MedGen C0004135, MONDO:0008840, OMIM 208900.
Familial cancer of breast. Also called: BREAST CANCER, FAMILIAL; Hereditary breast cancer; hereditary breast carcinoma. Identifiers: Orphanet 227535, MedGen C0346153, MONDO:0016419, OMIM 114480. Disease mechanism: loss of function.

Allele frequency attached by ClinVar (database versions not stated): ExAC 0.00001; gnomAD exomes below 0.00001.

Submissions (6):

Labcorp Genetics (formerly Invitae), Labcorp
Classification: Pathogenic for Ataxia-telangiectasia syndrome. Last evaluated: 2024-04-17. Review status: criteria provided, single submitter. Criteria: Invitae Variant Classification Sherloc (09022015). Collection method: clinical testing. Allele origin: germline.
Comment: This sequence change creates a premature translational stop signal (p.Gln2177*) in the ATM gene. It is expected to result in an absent or disrupted protein product. Loss-of-function variants in ATM are known to be pathogenic (PMID: 23807571, 25614872). This variant is present in population databases (rs766706861, gnomAD 0.004%). This premature translational stop signal has been observed in individual(s) with breast cancer (PMID: 28724667). ClinVar contains an entry for this variant (Variation ID: 1284953). For these reasons, this variant has been classified as Pathogenic.

Myriad Genetics, Inc.
Classification: Pathogenic for Familial cancer of breast. Last evaluated: 2024-01-30. Review status: criteria provided, single submitter. Criteria: Myriad Autosomal Dominant, Autosomal Recessive and X-Linked Classification Criteria (2023). Collection method: clinical testing. Allele origin: unknown.
Comment: This variant is considered pathogenic. This variant creates a termination codon and is predicted to result in premature protein truncation.

Ambry Genetics
Classification: Pathogenic for Hereditary cancer-predisposing syndrome. Last evaluated: 2023-09-20. Review status: criteria provided, single submitter. Criteria: Ambry Variant Classification Scheme 2023. Collection method: clinical testing. Allele origin: germline.
Comment: The p.Q2177* pathogenic mutation (also known as c.6529C>T), located in coding exon 44 of the ATM gene, results from a C to T substitution at nucleotide position 6529. This changes the amino acid from a glutamine to a stop codon within coding exon 44. This alteration has been reported in breast cancer cohorts (Yang Z et al. Breast Cancer Res Treat, 2019 Apr;174:639-647; Paix&atilde;o D et al. Front Oncol, 2022 Aug;12:976959). This alteration has also been reported in conjunction with a second truncating variant in a patient with ataxia telangiectasia (Kim J et al. Nature, 2023 Jul;619:828-836). This variant is considered to be rare based on population cohorts in the Genome Aggregation Database (gnomAD). In addition to the clinical data presented in the literature, this alteration is expected to result in loss of function by premature protein truncation or nonsense-mediated mRNA decay. As such, this alteration is interpreted as a disease-causing mutation.

Baylor Genetics
Classification: Likely pathogenic for Familial cancer of breast. Last evaluated: 2023-01-04. Review status: criteria provided, single submitter. Criteria: ACMG Guidelines, 2015. Collection method: clinical testing. Allele origin: unknown.

Clinical Genetics DNA and cytogenetics Diagnostics Lab, Erasmus MC, Erasmus Medical Center
Classification: Pathogenic. Review status: no assertion criteria provided. Collection method: clinical testing. Allele origin: germline. Affected: yes. Study: VKGL Data-share Consensus. Not counted in ClinVar's aggregate classification.

Genome Diagnostics Laboratory, University Medical Center Utrecht
Classification: Pathogenic. Review status: no assertion criteria provided. Collection method: clinical testing. Allele origin: germline. Affected: yes. Study: VKGL Data-share Consensus. Not counted in ClinVar's aggregate classification.

Literature cited by the submitters: PubMed 23807571 (cited by Labcorp Genetics (formerly Invitae), Labcorp); PubMed 25614872 (cited by Labcorp Genetics (formerly Invitae), Labcorp); PubMed 28724667 (cited by Labcorp Genetics (formerly Invitae), Labcorp); PubMed 30607632 (cited by Ambry Genetics); PubMed 36119527 (cited by Ambry Genetics); PubMed 37438524 (cited by Ambry Genetics).

NM_000051.4(ATM):c.6529C>T (p.Gln2177Ter)

Genes: C11orf65 (chromosome 11 open reading frame 65; minus strand), ATM (ATM serine/threonine kinase; plus strand). Cytogenetic location: 11q22.3.
Variant type: single nucleotide variant.
Coding change: c.6529C>T on transcript NM_000051.4 (MANE Select); coding-DNA position 6529, C replaced by T.
Protein change: p.Gln2177Ter; replaces glutamine 2177 with a stop codon.
Molecular consequence: nonsense. On other transcripts: intron variant (2).
Genome position (GRCh38, 1-based): chr11:108,321,377, C>T. VCF-style: chr11-108321377-C-T. GRCh37 (hg19) VCF-style: chr11-108192104-C-T.
Other names: c.6529C>T, p.Gln2177Ter (NM_001351834.2); c.641-12306G>A (NM_001330368.2); c.*39-12306G>A (NM_001351110.2); short protein forms Q2177*.
Identifiers: ClinVar variation 1284953 (VCV001284953.12), dbSNP rs766706861, ClinGen allele CA6265964.